The following is an entry in ClinVar:

ClinVar aggregate classification (germline): Uncertain significance (1 of 4 stars; one submission).

Conditions:
Cardiovascular phenotype. Identifiers: MedGen CN230736.

Allele frequency attached by ClinVar (database versions not stated): TOPMed 0.00001.

Submission:

Ambry Genetics
Classification: Uncertain significance for Cardiovascular phenotype. Last evaluated: 2021-06-23. Review status: criteria provided, single submitter. Criteria: Ambry Variant Classification Scheme 2023. Collection method: clinical testing. Allele origin: germline.
Comment: The p.S3659T variant (also known as c.10975T>A), located in coding exon 2 of the ZNF469 gene, results from a T to A substitution at nucleotide position 10975. The serine at codon 3659 is replaced by threonine, an amino acid with similar properties. This amino acid position is conserved. In addition, this alteration is predicted to be tolerated by in silico analysis. Since supporting evidence is limited at this time, the clinical significance of this alteration remains unclear.

NM_001367624.2(ZNF469):c.11059T>A (p.Ser3687Thr)

Gene: ZNF469 (zinc finger protein 469; plus strand). Cytogenetic location: 16q24.2.
Variant type: single nucleotide variant.
Coding change: c.11059T>A on transcript NM_001367624.2 (MANE Select); coding-DNA position 11059, T replaced by A.
Protein change: p.Ser3687Thr; replaces serine 3687 with threonine.
Molecular consequence: missense variant.
Genome position (GRCh38, 1-based): chr16:88,438,529, T>A. VCF-style: chr16-88438529-T-A. GRCh37 (hg19) VCF-style: chr16-88504937-T-A.
Other names: NM_001127464.1:c.10975T>A; short protein forms S3687T.
Identifiers: ClinVar variation 1790837 (VCV001790837.2), dbSNP rs1906769201, ClinGen allele CA397128888.